The following is an entry in ClinVar:

NM_000053.4(ATP7B):c.2687del (p.Leu896fs)

Gene: ATP7B (ATPase copper transporting beta; minus strand). Cytogenetic location: 13q14.3.
Variant type: Deletion.
Coding change: c.2687del on transcript NM_000053.4 (MANE Select); coding-DNA position 2687, one base deleted (T; older notation c.2687delT).
Protein change: p.Leu896fs; shifts the reading frame from leucine 896.
Molecular consequence: frameshift variant.
Genome position (GRCh38, 1-based): chr13:51,950,050, A deleted on the plus strand (T on the coding strand, the reverse complement: ATP7B is on the minus strand); the first of 3 consecutive A bases (chr13:51,950,050-51,950,052); deleting any one gives the same sequence. VCF-style (leftmost placement, unchanged base first): chr13-51950049-CA-C. GRCh37 (hg19) VCF-style: chr13-52524185-CA-C.
Other names: c.2685delT, p.Leu896Trpfs (NM_001406535.1, NM_001406511.1, NM_001406512.1 and 7 more transcripts); c.2355delT, p.Leu786Trpfs (NM_001406536.1); c.2541delT, p.Leu848Trpfs (NM_001406537.1, NM_001406520.1, NM_001406521.1 and 1 more transcripts); c.2451delT, p.Leu818Trpfs (NM_001406538.1, NM_001406527.1, NM_001406528.1 and 1 more transcripts); c.2256delT, p.Leu753Trpfs (NM_001406539.1); c.2433delT, p.Leu812Trpfs (NM_001406540.1, NM_001406531.1, NM_001406532.1); c.2199delT, p.Leu734Trpfs (NM_001406541.1, NM_001406542.1, NM_001406546.1); c.2337delT, p.Leu780Trpfs (NM_001406543.1); and 11 more; short protein forms L734fs, L785fs, L812fs, L818fs, L896fs.
Identifiers: ClinVar variation 1725323 (VCV001725323.2), dbSNP rs2547670195, ClinGen allele CA2580087689.

ClinVar aggregate classification (germline): Likely pathogenic (1 of 4 stars; one submission).

Conditions:
Wilson disease (WND). Also called: Wilson's disease. Identifiers: Orphanet 905, MedGen C0019202, MONDO:0010200, OMIM 277900. Disease mechanism: loss of function.

Submission:

Myriad Genetics, Inc.
Classification: Likely pathogenic for Wilson disease. Last evaluated: 2022-03-16. Review status: criteria provided, single submitter. Criteria: Myriad Women's Health Autosomal Recessive and X-Linked Classification Criteria (2021). Collection method: clinical testing. Allele origin: unknown.
Comment: NM_000053.3(ATP7B):c.2687delT(L896Wfs*5) is expected to be pathogenic in the context of Wilson disease. This variant is predicted to lead to an abnormal or absent protein product due to the creation of a premature termination codon in ATP7B, a gene where loss-of-function variants are known to be pathogenic. Please note: this variant was assessed in the context of healthy population screening.